The following is an entry in ClinVar:

ClinVar aggregate classification (germline): Uncertain significance (1 of 4 stars; one submission).

Conditions:
Hereditary cancer-predisposing syndrome. Also called: Tumor predisposition; Hereditary neoplastic syndrome; Hereditary Cancer Syndrome; Neoplastic Syndromes, Hereditary. Identifiers: Orphanet 140162, MedGen C0027672, MeSH D009386, MONDO:0015356.

Submission:

Ambry Genetics
Classification: Uncertain significance for Hereditary cancer-predisposing syndrome. Last evaluated: 2025-04-02. Review status: criteria provided, single submitter. Criteria: Ambry Variant Classification Scheme 2023. Collection method: clinical testing. Allele origin: germline.
Comment: The p.V199I variant (also known as c.595G>A), located in coding exon 5 of the TSC2 gene, results from a G to A substitution at nucleotide position 595. The valine at codon 199 is replaced by isoleucine, an amino acid with highly similar properties. This amino acid position is conserved. In addition, the in silico prediction for this alteration is inconclusive. Based on the available evidence, the clinical significance of this variant remains unclear.

NM_000548.5(TSC2):c.595G>A (p.Val199Ile)

Gene: TSC2 (TSC complex subunit 2; plus strand). Cytogenetic location: 16p13.3.
Variant type: single nucleotide variant.
Coding change: c.595G>A on transcript NM_000548.5 (MANE Select); coding-DNA position 595, G replaced by A.
Protein change: p.Val199Ile; replaces valine 199 with isoleucine.
Molecular consequence: missense variant. On other transcripts: 5 prime UTR variant (13), non-coding transcript variant (5), intron variant (6).
Genome position (GRCh38, 1-based): chr16:2,055,515, G>A. VCF-style: chr16-2055515-G-A. GRCh37 (hg19) VCF-style: chr16-2105516-G-A.
Other names: c.595G>A, p.Val199Ile (NM_001363528.2, NM_001370404.1, NM_001370405.1 and 8 more transcripts); c.685G>A, p.Val229Ile (NM_001406667.1, NM_001406668.1); c.484G>A, p.Val162Ile (NM_001406670.1, NM_001318827.2, NM_001406678.1); c.448G>A, p.Val150Ile (NM_001318829.2, NM_001406675.1, NM_001406676.1 and 1 more transcripts); c.628G>A, p.Val210Ile (NM_001318832.2); c.-837G>A (NM_001406689.1, NM_001406690.1, NM_001406691.1 and 2 more transcripts); c.-1053G>A (NM_001406693.1); c.-718G>A (NM_001406694.1, NM_001406695.1); and 6 more; short protein forms V150I, V162I, V180I, V229I, V199I, V210I, V45I.
Identifiers: ClinVar variation 3974641 (VCV003974641.1).